The following is an entry in ClinVar:

ClinVar aggregate classification (germline): Uncertain significance (1 of 4 stars; one submission).

Conditions:
Hereditary sensory and autonomic neuropathy type 6. Also called: HSAN VI; Neuropathy, hereditary sensory and autonomic, type VI. Identifiers: Orphanet 314381, MedGen C3539003, MONDO:0013839, OMIM 614653.

Submission:

Dasa
Classification: Uncertain significance for Hereditary sensory and autonomic neuropathy type 6. Last evaluated: 2025-10-17. Review status: criteria provided, single submitter. Criteria: DASA Assertion Criteria. Collection method: clinical testing. Allele origin: germline.
Comment: NM_001374736.1(DST):c.16124C>A (p.Ser5375Tyr) is a missense variant that results in the substitution of serine with tyrosine. This variant is absent from population databases. The currently available literature and clinical evidence are not sufficient to establish a definitive association between this variant and the reported condition. Therefore, this variant is classified as a variant of uncertain significance.

NM_001374736.1(DST):c.16124C>A (p.Ser5375Tyr)

Gene: DST (dystonin; minus strand). Cytogenetic location: 6p12.1.
Variant type: single nucleotide variant.
Coding change: c.16124C>A on transcript NM_001374736.1 (MANE Select); coding-DNA position 16124, C replaced by A.
Protein change: p.Ser5375Tyr; replaces serine 5375 with tyrosine.
Molecular consequence: missense variant.
Genome position (GRCh38, 1-based): chr6:56,552,668, G>T on the plus strand (C>A on the coding strand, the complement: DST is on the minus strand). VCF-style: chr6-56552668-G-T. GRCh37 (hg19) VCF-style: chr6-56417466-G-T.
Other names: c.9233C>A, p.Ser3078Tyr (NM_001386100.1, NM_183380.4, NM_001374730.1); c.8255C>A, p.Ser2752Tyr (NM_015548.5); c.9767C>A, p.Ser3256Tyr (NM_001144769.5); c.9353C>A, p.Ser3118Tyr (NM_001144770.2); c.16124C>A, p.Ser5375Tyr (NM_001374722.1); c.15491C>A, p.Ser5164Tyr (NM_001374729.1); c.16151C>A, p.Ser5384Tyr (NM_001374734.1); short protein forms S2752Y, S3078Y, S3118Y, S3256Y, S5164Y, S5375Y, S5384Y.
Identifiers: ClinVar variation 4881212 (VCV004881212.2).